The following is an entry in ClinVar:

ClinVar aggregate classification (germline): Benign/Likely benign. Review status: criteria provided, multiple submitters, no conflicts (2 of 4 stars). 3 submissions from 3 submitters: Benign (1); Likely benign (2). Last evaluated 2025-06-10.

Conditions:
Colorectal cancer, susceptibility to, 12 (CRCS12). Also called: COLORECTAL CANCER, SUSCEPTIBILITY TO, ON CHROMOSOME 12q24. Identifiers: Orphanet 220460, MedGen C3554460, MONDO:0014038, OMIM 615083.
Hereditary cancer-predisposing syndrome. Also called: Tumor predisposition; Hereditary neoplastic syndrome; Neoplastic Syndromes, Hereditary; Hereditary Cancer Syndrome. Identifiers: Orphanet 140162, MedGen C0027672, MeSH D009386, MONDO:0015356.

Allele frequency attached by ClinVar (database versions not stated): gnomAD 0.00001.

Submissions (3):

Labcorp Genetics (formerly Invitae), Labcorp
Classification: Likely benign. Last evaluated: 2025-06-10. Review status: criteria provided, single submitter. Criteria: Invitae Variant Classification Sherloc (09022015). Collection method: clinical testing. Allele origin: germline.

Myriad Genetics, Inc.
Classification: Benign for Colorectal cancer, susceptibility to, 12. Last evaluated: 2025-02-10. Review status: criteria provided, single submitter. Criteria: Myriad Autosomal Dominant, Autosomal Recessive and X-Linked Classification Criteria (2023). Collection method: clinical testing. Allele origin: unknown.
Comment: This variant is considered benign. This variant is a silent/synonymous amino acid change and it is not expected to impact splicing.

Ambry Genetics
Classification: Likely benign for Hereditary cancer-predisposing syndrome. Last evaluated: 2019-05-06. Review status: criteria provided, single submitter. Criteria: Ambry Variant Classification Scheme 2023. Collection method: clinical testing. Allele origin: germline.

NM_006231.4(POLE):c.1185G>A (p.Gly395=)

Gene: POLE (DNA polymerase epsilon, catalytic subunit; minus strand). Cytogenetic location: 12q24.33.
Variant type: single nucleotide variant.
Coding change: c.1185G>A on transcript NM_006231.4 (MANE Select); coding-DNA position 1185, G replaced by A.
Protein change: p.Gly395=; no amino-acid change (glycine 395 retained).
Molecular consequence: synonymous variant.
Genome position (GRCh38, 1-based): chr12:132,675,439, C>T on the plus strand (G>A on the coding strand, the complement: POLE is on the minus strand). VCF-style: chr12-132675439-C-T. GRCh37 (hg19) VCF-style: chr12-133252025-C-T.
Identifiers: ClinVar variation 818529 (VCV000818529.13), dbSNP rs1593076777, ClinGen allele CA482849653.